The following is an entry in ClinVar:

NM_003060.4(SLC22A5):c.1225C>G (p.Leu409Val)

Gene: SLC22A5 (solute carrier family 22 member 5; plus strand). Cytogenetic location: 5q31.1.
Variant type: single nucleotide variant.
Coding change: c.1225C>G on transcript NM_003060.4 (MANE Select); coding-DNA position 1225, C replaced by G.
Protein change: p.Leu409Val; replaces leucine 409 with valine.
Molecular consequence: missense variant.
Genome position (GRCh38, 1-based): chr5:132,390,862, C>G. VCF-style: chr5-132390862-C-G. GRCh37 (hg19) VCF-style: chr5-131726554-C-G.
Other names: c.1297C>G, p.Leu433Val (NM_001308122.2); short protein forms L409V, L433V.
Identifiers: ClinVar variation 529848 (VCV000529848.12), dbSNP rs573330330, ClinGen allele CA3404101.

ClinVar aggregate classification (germline): Uncertain significance. Review status: criteria provided, multiple submitters, no conflicts (2 of 4 stars). 4 submissions from 4 submitters: Uncertain significance (3). 1 of the submissions does not count toward it. Last evaluated 2021-08-31.

Conditions:
Decreased circulating carnitine concentration. Also called: Decreased plasma carnitine. Identifiers: MedGen C5848230, HP:0003234.
Renal carnitine transport defect (CDSP). Also called: CARNITINE DEFICIENCY, SYSTEMIC, DUE TO DEFECT IN RENAL REABSORPTION OF CARNITINE; CARNITINE TRANSPORTER, PLASMA-MEMBRANE, DEFICIENCY OF; CARNITINE UPTAKE DEFECT; Carnitine transporter deficiency; Carnitine Deficiency, Systemic; Systemic primary carnitine deficiency disease. Identifiers: Orphanet 158, MedGen C0342788, MONDO:0008919, OMIM 212140.

Allele frequency attached by ClinVar (database versions not stated): gnomAD exomes below 0.00001; ExAC 0.00001; gnomAD 0.00001; 1000 Genomes Project 30x 0.00016; 1000 Genomes Project 0.00020.
gnomAD v4.1: 3 of 1,614,232 alleles (0.00019%); highest among the groups gnomAD compares: South Asian, 0.0033%; no homozygotes.

Submissions (4):

Labcorp Genetics (formerly Invitae), Labcorp
Classification: Uncertain significance for Renal carnitine transport defect. Last evaluated: 2021-08-31. Review status: criteria provided, single submitter. Criteria: Invitae Variant Classification Sherloc (09022015). Collection method: clinical testing. Allele origin: germline.
Comment: This sequence change replaces leucine with valine at codon 409 of the SLC22A5 protein (p.Leu409Val). The leucine residue is highly conserved and there is a small physicochemical difference between leucine and valine. This variant is present in population databases (rs573330330, ExAC 0.006%). This variant has not been reported in the literature in individuals affected with SLC22A5-related conditions. Algorithms developed to predict the effect of missense changes on protein structure and function are either unavailable or do not agree on the potential impact of this missense change (SIFT: "Deleterious"; PolyPhen-2: "Benign"; Align-GVGD: "Class C25"). Algorithms developed to predict the effect of sequence changes on RNA splicing suggest that this variant may create or strengthen a splice site. In summary, the available evidence is currently insufficient to determine the role of this variant in disease. Therefore, it has been classified as a Variant of Uncertain Significance.

Genome-Nilou Lab
Classification: Uncertain significance for Renal carnitine transport defect. Last evaluated: 2021-07-15. Review status: criteria provided, single submitter. Criteria: ACMG Guidelines, 2015. Collection method: clinical testing. Allele origin: germline. Affected: no.

Illumina Laboratory Services, Illumina
Classification: Uncertain significance for Renal carnitine transport defect. Last evaluated: 2018-01-13. Review status: criteria provided, single submitter. Criteria: ICSL Variant Classification Criteria 13 December 2019. Collection method: clinical testing. Allele origin: germline.

Natera, Inc.
Classification: Uncertain significance for Carnitine deficiency. Last evaluated: 2020-03-10. Review status: no assertion criteria provided. Collection method: clinical testing. Allele origin: germline. Not counted in ClinVar's aggregate classification.